The following is an entry in ClinVar:

NM_000059.4(BRCA2):c.6480del (p.Asp2161fs)

Gene: BRCA2 (BRCA2 DNA repair associated; plus strand). Cytogenetic location: 13q13.1.
Variant type: Deletion.
Coding change: c.6480del on transcript NM_000059.4 (MANE Select); coding-DNA position 6480, one base deleted (A; older notation c.6480delA).
Protein change: p.Asp2161fs; shifts the reading frame from aspartic acid 2161.
Molecular consequence: frameshift variant.
Genome position (GRCh38, 1-based): chr13:32,340,835, A deleted; the last of 2 consecutive A bases (chr13:32,340,834-32,340,835); deleting either gives the same sequence. VCF-style (leftmost placement, unchanged base first): chr13-32340833-CA-C. GRCh37 (hg19) VCF-style: chr13-32914970-CA-C.
Other names: c.6480delA (NM_000059.3); short protein forms D2161fs.
Identifiers: ClinVar variation 418845 (VCV000418845.8), dbSNP rs1064793471, ClinGen allele CA16619748.

ClinVar aggregate classification (germline): Pathogenic. Review status: reviewed by expert panel (3 of 4 stars). 4 submissions from 4 submitters: Pathogenic (1). 3 of the submissions do not count toward it. Last evaluated 2017-12-15.

Conditions:
Hereditary cancer-predisposing syndrome. Also called: Hereditary neoplastic syndrome; Hereditary Cancer Syndrome; Neoplastic Syndromes, Hereditary; Tumor predisposition. Identifiers: Orphanet 140162, MedGen C0027672, MeSH D009386, MONDO:0015356.
Breast-ovarian cancer, familial, susceptibility to, 2 (BROVCA2). Also called: BRCA2 Hereditary Breast and Ovarian Cancer. Identifiers: Orphanet 145, MedGen C2675520, MONDO:0012933, OMIM 612555. Disease mechanism: loss of function.
Hereditary breast ovarian cancer syndrome. Also called: Hereditary breast and ovarian cancer syndrome; BRCA1- and BRCA2-Associated Hereditary Breast and Ovarian Cancer; Hereditary breast and/or ovarian cancer syndrome; Hereditary breast and ovarian cancer; Breast and ovarian cancer; Hereditary breast and ovarian cancer syndrome (HBOC). Identifiers: Orphanet 145, MedGen C0677776, MeSH D061325, MONDO:0003582. Disease mechanism: loss of function.

Submissions (4):

Evidence-based Network for the Interpretation of Germline Mutant Alleles (ENIGMA)
Classification: Pathogenic for Breast-ovarian cancer, familial, susceptibility to, 2. Last evaluated: 2017-12-15. Review status: reviewed by expert panel. Criteria: ENIGMA BRCA1/2 Classification Criteria (2017-06-29). Collection method: curation. Allele origin: germline. Study: ENIGMA.
Comment: Variant allele predicted to encode a truncated non-functional protein.

Labcorp Genetics (formerly Invitae), Labcorp
Classification: Pathogenic for Hereditary breast ovarian cancer syndrome. Last evaluated: 2024-09-04. Review status: criteria provided, single submitter. Criteria: Invitae Variant Classification Sherloc (09022015). Collection method: clinical testing. Allele origin: germline. Not counted in ClinVar's aggregate classification.
Comment: This sequence change creates a premature translational stop signal (p.Asp2161Thrfs*7) in the BRCA2 gene. It is expected to result in an absent or disrupted protein product. Loss-of-function variants in BRCA2 are known to be pathogenic (PMID: 20104584). This variant is not present in population databases (gnomAD no frequency). This variant has not been reported in the literature in individuals affected with BRCA2-related conditions. ClinVar contains an entry for this variant (Variation ID: 418845). Algorithms developed to predict the effect of sequence changes on RNA splicing suggest that this variant may create or strengthen a splice site. For these reasons, this variant has been classified as Pathogenic.

GeneDx
Classification: Pathogenic. Last evaluated: 2018-10-24. Review status: criteria provided, single submitter. Criteria: GeneDx Variant Classification (06012015). Collection method: clinical testing. Allele origin: germline. Affected: yes. Not counted in ClinVar's aggregate classification.
Comment: This deletion of one nucleotide in BRCA2 is denoted c.6480delA at the cDNA level and p.Asp2161ThrfsX7 (D2161TfsX7) at the protein level. The normal sequence, with the base that is deleted in brackets, is AACA[A]GACA. The deletion causes a frameshift, which changes an Aspartic Acid to a Threonine at codon 2161, and creates a premature stop codon at position 7 of the new reading frame. Using alternate nomenclature, this variant would be defined as BRCA2 6708delA. Although this variant has not, to our knowledge, been reported in the literature, it is predicted to cause loss of normal protein function through either protein truncation or nonsense-mediated mRNA decay. we consider this variant to be pathogenic.

Ambry Genetics
Classification: Pathogenic for Hereditary cancer-predisposing syndrome. Last evaluated: 2017-05-25. Review status: criteria provided, single submitter. Criteria: Ambry Variant Classification Scheme 2023. Collection method: clinical testing. Allele origin: germline. Not counted in ClinVar's aggregate classification.
Comment: The c.6480delA pathogenic mutation, located in coding exon 10 of the BRCA2 gene, results from a deletion of one nucleotide at nucleotide position 6480, causing a translational frameshift with a predicted alternate stop codon (p.D2161Tfs*7). This alteration is expected to result in loss of function by premature protein truncation or nonsense-mediated mRNA decay. As such, this alteration is interpreted as a disease-causing mutation.

Literature cited by the submitters: PubMed 20104584 (cited by Labcorp Genetics (formerly Invitae), Labcorp).